The following is an entry in ClinVar:

ClinVar aggregate classification (germline): Pathogenic (1 of 4 stars; one submission).

Conditions:
Neurofibromatosis, type 2 (SWNV). Also called: SCHWANNOMATOSIS, VESTIBULAR; BILATERAL ACOUSTIC NEUROFIBROMATOSIS; NF2-Related Schwannomatosis. Identifiers: Orphanet 637, MedGen C0027832, MONDO:0007039, OMIM 101000. Disease mechanism: loss of function.

Submission:

Labcorp Genetics (formerly Invitae), Labcorp
Classification: Pathogenic for Neurofibromatosis, type 2. Last evaluated: 2023-08-31. Review status: criteria provided, single submitter. Criteria: Invitae Variant Classification Sherloc (09022015). Collection method: clinical testing. Allele origin: germline.
Comment: This variant is a gross deletion of the genomic region encompassing exon(s) 15-16 of the NF2 gene, which includes the termination codon. This deletion extends beyond the assayed region for this gene and therefore may encompass additional genes. While this deletion is not anticipated to lead to nonsense mediated decay, it is expected to alter mRNA translation or result in a truncated protein product. A similar copy number variant has been observed in individual(s) with clinical features of neurofibromatosis type 2 (Invitae). The region of the NF2 gene that includes exon(s) 15 has been determined to be clinically significant (PMID: 15645494, 19924781; Invitae). Therefore, deletions that encompass that region are likely to be disease-causing. For these reasons, this variant has been classified as Pathogenic.

Literature cited by the submitters: PubMed 15645494; PubMed 19924781.

NC_000022.10:g.(?_30077418)_(30090791_?)del

Gene: NF2 (NF2, moesin-ezrin-radixin like (MERLIN) tumor suppressor; plus strand). Cytogenetic location: 22q12.2.
Variant type: Deletion.
Identifiers: ClinVar variation 2422755 (VCV002422755.8).